The following is an entry in ClinVar:

NM_006277.3(ITSN2):c.3616A>G (p.Ile1206Val)

Gene: ITSN2 (intersectin 2; minus strand). Cytogenetic location: 2p23.3.
Variant type: single nucleotide variant.
Coding change: c.3616A>G on transcript NM_006277.3 (MANE Select); coding-DNA position 3616, A replaced by G.
Protein change: p.Ile1206Val; replaces isoleucine 1206 with valine.
Molecular consequence: missense variant.
Genome position (GRCh38, 1-based): chr2:24,221,028, T>C on the plus strand (A>G on the coding strand, the complement: ITSN2 is on the minus strand). VCF-style: chr2-24221028-T-C. GRCh37 (hg19) VCF-style: chr2-24443897-T-C.
Other names: c.3574A>G, p.Ile1192Val (NM_001348181.2); c.3496A>G, p.Ile1166Val (NM_001348182.2); c.3535A>G, p.Ile1179Val (NM_019595.4); c.3616A>G, p.Ile1206Val (NM_147152.3); c.3616A>G (NM_006277.2); short protein forms I1192V, I1166V, I1206V, I1179V.
Identifiers: ClinVar variation 2040708 (VCV002040708.6), dbSNP rs76543468, ClinGen allele CA1550866.
Genomic context (GRCh38, chr2:24,221,028, plus strand): 5'-CCATGTACCGCTCTTCGGTCTGAATCAGCTCATGAATATAGCCCTGTCTTTTCCTCTCAA[T>C]TGGCTGCATTGTGTCCAGGGTTTGCAGATCAGCACACCCTGTGGAAAAAACAGGGTAGTT-3'
Protein context (NP_006268.2, residues 1196-1216): DLQTLDTMQP[Ile1206Val]ERKRQGYIHE

ClinVar aggregate classification (germline): Benign. Review status: criteria provided, single submitter (1 of 4 stars). 2 submissions from 2 submitters: Benign (1). 1 of the submissions does not count toward it. Last evaluated 2026-02-01.

Conditions:
ITSN2-related disorder. Also called: ITSN2-related condition.

Allele frequency attached by ClinVar (database versions not stated): gnomAD exomes 0.00065; ExAC 0.00215; 1000 Genomes Project 0.00619; 1000 Genomes Project 30x 0.00671; gnomAD 0.00735; TOPMed 0.00832; ESP Exome Variant Server 0.00984.

Submissions (2):

Labcorp Genetics (formerly Invitae), Labcorp
Classification: Benign. Last evaluated: 2026-02-01. Review status: criteria provided, single submitter. Criteria: Invitae Variant Classification Sherloc (09022015). Collection method: clinical testing. Allele origin: germline.

PreventionGenetics, part of Exact Sciences
Classification: Benign for ITSN2-related condition. Last evaluated: 2019-04-02. Review status: no assertion criteria provided. Collection method: clinical testing. Allele origin: germline. Not counted in ClinVar's aggregate classification.
Comment: This variant is classified as benign based on ACMG/AMP sequence variant interpretation guidelines (Richards et al. 2015 PMID: 25741868, with internal and published modifications).